The following is an entry in ClinVar:

ClinVar aggregate classification (germline): Uncertain significance. Review status: criteria provided, multiple submitters, no conflicts (2 of 4 stars). 2 submissions from 2 submitters: Uncertain significance (2). Last evaluated 2025-02-20.

Conditions:
TBX3-related disorder. Also called: TBX3-related condition.
Inborn genetic diseases. Identifiers: MedGen C0950123, MeSH D030342.

gnomAD v4.1: 60 of 1,575,346 alleles (0.0038%); highest among the groups gnomAD compares: Non-Finnish European, 0.0042%; no homozygotes.

Submissions (2):

PreventionGenetics, part of Exact Sciences
Classification: Uncertain significance for TBX3-related condition. Last evaluated: 2025-02-20. Review status: criteria provided, single submitter. Criteria: ACMG Guidelines, 2015. Collection method: clinical testing. Allele origin: germline.
Comment: The TBX3 c.1697C>T variant is predicted to result in the amino acid substitution p.Ala566Val. To our knowledge, this variant has not been reported in the literature. This variant is reported in 0.0026% of alleles in individuals of European (Non-Finnish) descent in gnomAD. At this time, the clinical significance of this variant is uncertain due to the absence of conclusive functional and genetic evidence.

Ambry Genetics
Classification: Uncertain significance for Inborn genetic diseases. Last evaluated: 2024-12-09. Review status: criteria provided, single submitter. Criteria: Ambry Variant Classification Scheme 2023. Collection method: clinical testing. Allele origin: germline.

NM_005996.4(TBX3):c.1637C>T (p.Ala546Val)

Gene: TBX3 (T-box transcription factor 3; minus strand). Cytogenetic location: 12q24.21.
Variant type: single nucleotide variant.
Coding change: c.1637C>T on transcript NM_005996.4 (MANE Select); coding-DNA position 1637, C replaced by T.
Protein change: p.Ala546Val; replaces alanine 546 with valine.
Molecular consequence: missense variant.
Genome position (GRCh38, 1-based): chr12:114,674,238, G>A on the plus strand (C>T on the coding strand, the complement: TBX3 is on the minus strand). VCF-style: chr12-114674238-G-A. GRCh37 (hg19) VCF-style: chr12-115112043-G-A.
Other names: c.1697C>T (NM_016569.3); c.1697C>T, p.Ala566Val (NM_016569.4); short protein forms A546V, A566V.
Identifiers: ClinVar variation 3453895 (VCV003453895.2).